The following is an entry in ClinVar:

ClinVar aggregate classification (germline): Pathogenic (1 of 4 stars; one submission).

Conditions:
Juvenile polyposis syndrome (JPS). Identifiers: Orphanet 2929, MedGen C0345893, MONDO:0017380, OMIM 174900.

Submission:

Labcorp Genetics (formerly Invitae), Labcorp
Classification: Pathogenic for Juvenile polyposis syndrome. Last evaluated: 2019-01-26. Review status: criteria provided, single submitter. Criteria: Invitae Variant Classification Sherloc (09022015). Collection method: clinical testing. Allele origin: germline.
Comment: For these reasons, this variant has been classified as Pathogenic. Loss-of-function variants in SMAD4 are known to be pathogenic (PMID: 16152648, 16436638, 22810475). This variant has not been reported in the literature in individuals with SMAD4-related conditions. This variant is not present in population databases (ExAC no frequency). This sequence change creates a premature translational stop signal (p.Lys436*) in the SMAD4 gene. It is expected to result in an absent or disrupted protein product.

Literature cited by the submitters: PubMed 16152648; PubMed 16436638; PubMed 22810475.

NM_005359.6(SMAD4):c.1304_1305dup (p.Lys436Ter)

Gene: SMAD4 (SMAD family member 4; plus strand). Cytogenetic location: 18q21.2.
Variant type: Microsatellite.
Coding change: c.1304_1305dup on transcript NM_005359.6 (MANE Select); coding-DNA positions 1304 to 1305, 2 bases duplicated (TA; older notation c.1304_1305dupTA).
Protein change: p.Lys436Ter; replaces lysine 436 with a stop codon.
Molecular consequence: nonsense.
Genome position (GRCh38, 1-based): chr18:51,067,183-51,067,184, TA duplicated; duplicating any 2 consecutive bases within chr18:51,067,178-51,067,184 gives the same sequence; the c. name uses the placement nearest the transcript's 3' end. VCF-style (leftmost placement, unchanged base first): chr18-51067177-C-CAT. GRCh37 (hg19) VCF-style: chr18-48593547-C-CAT.
Other names: short protein forms K436*.
Identifiers: ClinVar variation 840266 (VCV000840266.7), dbSNP rs1910186100, ClinGen allele CA916081938.